The following is an entry in ClinVar:

NM_003435.5(ZNF134):c.1047C>T (p.Cys349=)

Gene: ZNF134 (zinc finger protein 134; plus strand). Cytogenetic location: 19q13.43.
Variant type: single nucleotide variant.
Coding change: c.1047C>T on transcript NM_003435.5 (MANE Select); coding-DNA position 1047, C replaced by T.
Protein change: p.Cys349=; no amino-acid change (cysteine 349 retained).
Molecular consequence: synonymous variant.
Genome position (GRCh38, 1-based): chr19:57,621,166, C>T. VCF-style: chr19-57621166-C-T. GRCh37 (hg19) VCF-style: chr19-58132534-C-T.
Identifiers: ClinVar variation 2650576 (VCV002650576.24), dbSNP rs34357677, ClinGen allele CA9703119.

ClinVar aggregate classification (germline): Likely benign (1 of 4 stars; one submission).

Allele frequency attached by ClinVar (database versions not stated): 1000 Genomes Project 30x 0.00219; 1000 Genomes Project 0.00240; gnomAD 0.00417; TOPMed 0.00417; ESP Exome Variant Server 0.00438; ExAC 0.00525; gnomAD exomes 0.00535.
gnomAD v4.1: 8,468 of 1,614,148 alleles (0.52%); highest among the groups gnomAD compares: Middle Eastern, 0.73%; 38 homozygotes.

Submission:

CeGaT Center for Human Genetics Tuebingen
Classification: Likely benign. Last evaluated: 2023-03-01. Review status: criteria provided, single submitter. Criteria: CeGaT Center For Human Genetics Tuebingen Variant Classification Criteria Version 2. Collection method: clinical testing. Allele origin: germline. Affected: yes. Observed: 1 variant allele.
Comment: ZNF134: BP4, BP7, BS2